The following is an entry in ClinVar:

ClinVar aggregate classification (germline): Uncertain significance (1 of 4 stars; one submission).

Submission:

Dasa
Classification: Uncertain significance. Last evaluated: 2026-01-26. Review status: criteria provided, single submitter. Criteria: DASA Assertion Criteria. Collection method: clinical testing. Allele origin: germline.
Comment: NM_138961.3(ESAM):c.249+530A>C is an intronic variant. This variant is rare in population databases. The currently available literature and clinical evidence are not sufficient to establish a definitive association between this variant and the reported condition. Therefore, this variant is classified as a variant of uncertain significance.

NM_138961.3(ESAM):c.249+530A>C

Gene: ESAM (endothelial cell adhesion molecule; minus strand). Cytogenetic location: 11q24.2.
Variant type: single nucleotide variant.
Coding change: c.249+530A>C on transcript NM_138961.3 (MANE Select); 530 bases into the intron after coding-DNA position 249, A replaced by C.
Molecular consequence: intron variant.
Genome position (GRCh38, 1-based): chr11:124,757,819, T>G on the plus strand (A>C on the coding strand, the complement: ESAM is on the minus strand). VCF-style: chr11-124757819-T-G. GRCh37 (hg19) VCF-style: chr11-124627715-T-G.
Identifiers: ClinVar variation 4885611 (VCV004885611.2).
Genomic context (GRCh38, chr11:124,757,819, plus strand): 5'-TGGATTTTGGCTCACTGCAACCTCCACCTTGTGGATTCAAGCAATTCTCTTGCCTCAGCC[T>G]CCCAAGTAGCTGGGATTACAGGCGGGTGCCACCATGTCCGACTAATTTTTGTGTTTTTAG-3'